The following is an entry in ClinVar:

ClinVar aggregate classification (germline): Uncertain significance (1 of 4 stars; one submission).

Conditions:
Developmental delay with autism spectrum disorder and gait instability (MRT38). Also called: Intellectual developmental disorder, autosomal recessive 38. Identifiers: Orphanet 329195, MedGen C3809753, MONDO:0014224, OMIM 615516.

Submission:

Baylor Genetics
Classification: Uncertain significance for Developmental delay with autism spectrum disorder and gait instability. Last evaluated: 2018-11-03. Review status: criteria provided, single submitter. Criteria: ACMG Guidelines, 2015. Collection method: clinical testing. Allele origin: maternal. Affected: yes.
Comment: This variant was determined to be of uncertain significance according to ACMG Guidelines, 2015 [PMID:25741868].

NM_004667.6(HERC2):c.5841C>G (p.Asp1947Glu)

Gene: HERC2 (HECT and RLD domain containing E3 ubiquitin protein ligase 2; minus strand). Cytogenetic location: 15q13.1.
Variant type: single nucleotide variant.
Coding change: c.5841C>G on transcript NM_004667.6 (MANE Select); coding-DNA position 5841, C replaced by G.
Protein change: p.Asp1947Glu; replaces aspartic acid 1947 with glutamic acid.
Molecular consequence: missense variant.
Genome position (GRCh38, 1-based): chr15:28,220,456, G>C on the plus strand (C>G on the coding strand, the complement: HERC2 is on the minus strand). VCF-style: chr15-28220456-G-C. GRCh37 (hg19) VCF-style: chr15-28465602-G-C.
Other names: short protein forms D1947E.
Identifiers: ClinVar variation 1031465 (VCV001031465.1), dbSNP rs1900404659, ClinGen allele CA391373822.